The following is an entry in ClinVar:

ClinVar aggregate classification (germline): Uncertain significance (1 of 4 stars; one submission).

Submission:

Labcorp Genetics (formerly Invitae), Labcorp
Classification: Uncertain significance. Last evaluated: 2026-01-20. Review status: criteria provided, single submitter. Criteria: Invitae Variant Classification Sherloc (09022015). Collection method: clinical testing. Allele origin: germline.
Comment: This sequence change replaces histidine, which is basic and polar, with asparagine, which is neutral and polar, at codon 364 of the TWNK protein (p.His364Asn). This variant is not present in population databases (gnomAD no frequency). This variant has not been reported in the literature in individuals affected with TWNK-related conditions. Invitae Evidence Modeling of protein sequence and biophysical properties (such as structural, functional, and spatial information, amino acid conservation, physicochemical variation, residue mobility, and thermodynamic stability) indicates that this missense variant is expected to disrupt TWNK protein function with a positive predictive value of 95%. In summary, the available evidence is currently insufficient to determine the role of this variant in disease. Therefore, it has been classified as a Variant of Uncertain Significance.

NM_021830.5(TWNK):c.1090C>A (p.His364Asn)

Gene: TWNK (twinkle mtDNA helicase; plus strand). Cytogenetic location: 10q24.31.
Variant type: single nucleotide variant.
Coding change: c.1090C>A on transcript NM_021830.5 (MANE Select); coding-DNA position 1090, C replaced by A.
Protein change: p.His364Asn; replaces histidine 364 with asparagine.
Molecular consequence: missense variant. On other transcripts: non-coding transcript variant (4), intron variant (3).
Genome position (GRCh38, 1-based): chr10:100,989,300, C>A. VCF-style: chr10-100989300-C-A. GRCh37 (hg19) VCF-style: chr10-102749057-C-A.
Other names: c.1090C>A, p.His364Asn (NM_001163812.2); c.-119-344C>A (NM_001163814.2, NM_001163813.2); c.-57-406C>A (NM_001368275.1); short protein forms H364N.
Identifiers: ClinVar variation 4745967 (VCV004745967.1).
Genomic context (GRCh38, chr10:100,989,300, plus strand): 5'-GAGGCCCTGAACGGAGGCTTCAATCTTTCTCGTATTCTTCGTACCGCCCTGCCTGCCTGG[C>A]ACAAGTCCATCGTATCTTTCCGGCAGCTTCGGGAGGAGGTGCTAGGAGAACTGTCAAATG-3'
Protein context (NP_068602.2, residues 354-374): RILRTALPAW[His364Asn]KSIVSFRQLR